The following is an entry in ClinVar:

ClinVar aggregate classification (germline): Uncertain significance (1 of 4 stars; one submission).

Conditions:
Biotin-responsive basal ganglia disease (BTBGD). Also called: Thiamine metabolism dysfunction syndrome type 2; Thiamine Transporter-2 Deficiency; THIAMINE METABOLISM DYSFUNCTION SYNDROME 2 (BIOTIN- AND THIAMINE-RESPONSIVE TYPE); Thiamine metabolism dysfunction syndrome 2 (biotin- or thiamine-responsive encephalopathy type 2); thiamine-responsive encephalopathy. Identifiers: Orphanet 199348, Orphanet 65284, MedGen C1843807, MONDO:0011841, OMIM 607483.

Allele frequency attached by ClinVar (database versions not stated): gnomAD exomes below 0.00001; TOPMed below 0.00001.

Submission:

Labcorp Genetics (formerly Invitae), Labcorp
Classification: Uncertain significance for Biotin-responsive basal ganglia disease. Last evaluated: 2021-11-09. Review status: criteria provided, single submitter. Criteria: Invitae Variant Classification Sherloc (09022015). Collection method: clinical testing. Allele origin: germline.
Comment: This sequence change replaces glycine, which is neutral and non-polar, with valine, which is neutral and non-polar, at codon 443 of the SLC19A3 protein (p.Gly443Val). This variant is not present in population databases (gnomAD no frequency). This variant has not been reported in the literature in individuals affected with SLC19A3-related conditions. ClinVar contains an entry for this variant (Variation ID: 940121). Advanced modeling of protein sequence and biophysical properties (such as structural, functional, and spatial information, amino acid conservation, physicochemical variation, residue mobility, and thermodynamic stability) performed at Invitae indicates that this missense variant is expected to disrupt SLC19A3 protein function. Algorithms developed to predict the effect of sequence changes on RNA splicing suggest that this variant may create or strengthen a splice site. In summary, the available evidence is currently insufficient to determine the role of this variant in disease. Therefore, it has been classified as a Variant of Uncertain Significance.

NM_025243.4(SLC19A3):c.1328G>T (p.Gly443Val)

Gene: SLC19A3 (solute carrier family 19 member 3; minus strand). Cytogenetic location: 2q36.3.
Variant type: single nucleotide variant.
Coding change: c.1328G>T on transcript NM_025243.4 (MANE Select); coding-DNA position 1328, G replaced by T.
Protein change: p.Gly443Val; replaces glycine 443 with valine.
Molecular consequence: missense variant.
Genome position (GRCh38, 1-based): chr2:227,687,560, C>A on the plus strand (G>T on the coding strand, the complement: SLC19A3 is on the minus strand). VCF-style: chr2-227687560-C-A. GRCh37 (hg19) VCF-style: chr2-228552276-C-A.
Other names: c.1328G>T, p.Gly443Val (NM_001371411.1, NM_001371412.1); c.1316G>T, p.Gly439Val (NM_001371413.1, NM_001371414.1); short protein forms G443V, G439V.
Identifiers: ClinVar variation 940121 (VCV000940121.5), dbSNP rs1695064805, ClinGen allele CA350875282.